The following is an entry in ClinVar:

NM_020442.6(VARS2):c.955T>C (p.Ser319Pro)

Gene: VARS2 (valyl-tRNA synthetase 2, mitochondrial; plus strand). Cytogenetic location: 6p21.33.
Variant type: single nucleotide variant.
Coding change: c.955T>C on transcript NM_020442.6 (MANE Select); coding-DNA position 955, T replaced by C.
Protein change: p.Ser319Pro; replaces serine 319 with proline.
Molecular consequence: missense variant.
Genome position (GRCh38, 1-based): chr6:30,917,776, T>C. VCF-style: chr6-30917776-T-C. GRCh37 (hg19) VCF-style: chr6-30885553-T-C.
Other names: c.535T>C, p.Ser179Pro (NM_001167733.3); c.1045T>C, p.Ser349Pro (NM_001167734.2); short protein forms S319P, S349P, S179P.
Identifiers: ClinVar variation 1921329 (VCV001921329.5), dbSNP rs2538640313, ClinGen allele CA363169849.

ClinVar aggregate classification (germline): Uncertain significance (1 of 4 stars; one submission).

Allele frequency attached by ClinVar (database versions not stated): gnomAD exomes below 0.00001.

Submission:

Labcorp Genetics (formerly Invitae), Labcorp
Classification: Uncertain significance. Last evaluated: 2023-01-27. Review status: criteria provided, single submitter. Criteria: Invitae Variant Classification Sherloc (09022015). Collection method: clinical testing. Allele origin: germline.
Comment: This variant is not present in population databases (gnomAD no frequency). In summary, the available evidence is currently insufficient to determine the role of this variant in disease. Therefore, it has been classified as a Variant of Uncertain Significance. Advanced modeling of protein sequence and biophysical properties (such as structural, functional, and spatial information, amino acid conservation, physicochemical variation, residue mobility, and thermodynamic stability) performed at Invitae indicates that this missense variant is not expected to disrupt VARS2 protein function. This variant has not been reported in the literature in individuals affected with VARS2-related conditions. This sequence change replaces serine, which is neutral and polar, with proline, which is neutral and non-polar, at codon 349 of the VARS2 protein (p.Ser349Pro).